The following is an entry in ClinVar:

NM_003051.4(SLC16A1):c.604C>T (p.Pro202Ser)

Gene: SLC16A1 (solute carrier family 16 member 1; minus strand). Cytogenetic location: 1p13.2.
Variant type: single nucleotide variant.
Coding change: c.604C>T on transcript NM_003051.4 (MANE Select); coding-DNA position 604, C replaced by T.
Protein change: p.Pro202Ser; replaces proline 202 with serine.
Molecular consequence: missense variant.
Genome position (GRCh38, 1-based): chr1:112,917,802, G>A on the plus strand (C>T on the coding strand, the complement: SLC16A1 is on the minus strand). VCF-style: chr1-112917802-G-A. GRCh37 (hg19) VCF-style: chr1-113460424-G-A.
Other names: c.604C>T, p.Pro202Ser (NM_001166496.2); c.604C>T (NM_003051.3); short protein forms P202S.
Identifiers: ClinVar variation 2416661 (VCV002416661.7), dbSNP rs146431121, ClinGen allele CA1011401.
Genomic context (GRCh38, chr1:112,917,802, plus strand): 5'-CACCAGATTTTCCAGCTTTCTCAAGGGATGCTTTAGACTTATCTTTCCCTGCCTTGGTTG[G>A]CTTGGGCCCGATTGGTCGCATGAGGGCTCCAGCAACACAGCAGTTTAGTAGCAAGCCCCC-3'
Protein context (NP_003042.3, residues 192-212): GALMRPIGPK[Pro202Ser]TKAGKDKSKA

ClinVar aggregate classification (germline): Uncertain significance. Review status: criteria provided, multiple submitters, no conflicts (2 of 4 stars). 2 submissions from 2 submitters: Uncertain significance (2). Last evaluated 2025-03-30.

Conditions:
Inborn genetic diseases. Identifiers: MedGen C0950123, MeSH D030342.

Allele frequency attached by ClinVar (database versions not stated): gnomAD 0.00001; gnomAD exomes 0.00001; TOPMed 0.00001; ExAC 0.00003; ESP Exome Variant Server 0.00015.

Submissions (2):

Labcorp Genetics (formerly Invitae), Labcorp
Classification: Uncertain significance. Last evaluated: 2025-03-30. Review status: criteria provided, single submitter. Criteria: Invitae Variant Classification Sherloc (09022015). Collection method: clinical testing. Allele origin: germline.
Comment: This sequence change replaces proline, which is neutral and non-polar, with serine, which is neutral and polar, at codon 202 of the SLC16A1 protein (p.Pro202Ser). This variant is present in population databases (rs146431121, gnomAD 0.004%). This variant has not been reported in the literature in individuals affected with SLC16A1-related conditions. ClinVar contains an entry for this variant (Variation ID: 2416661). An algorithm developed to predict the effect of missense changes on protein structure and function (PolyPhen-2) suggests that this variant is likely to be tolerated. In summary, the available evidence is currently insufficient to determine the role of this variant in disease. Therefore, it has been classified as a Variant of Uncertain Significance.

Ambry Genetics
Classification: Uncertain significance for Inborn genetic diseases. Last evaluated: 2023-12-14. Review status: criteria provided, single submitter. Criteria: Ambry Variant Classification Scheme 2023. Collection method: clinical testing. Allele origin: germline.